The following is an entry in ClinVar:

NM_016222.4(DDX41):c.88G>T (p.Asp30Tyr)

Gene: DDX41 (DEAD-box helicase 41; minus strand). Cytogenetic location: 5q35.3.
Variant type: single nucleotide variant.
Coding change: c.88G>T on transcript NM_016222.4 (MANE Select); coding-DNA position 88, G replaced by T.
Protein change: p.Asp30Tyr; replaces aspartic acid 30 with tyrosine.
Molecular consequence: missense variant. On other transcripts: 5 prime UTR variant (2).
Genome position (GRCh38, 1-based): chr5:177,516,775, C>A on the plus strand (G>T on the coding strand, the complement: DDX41 is on the minus strand). VCF-style: chr5-177516775-C-A. GRCh37 (hg19) VCF-style: chr5-176943776-C-A.
Other names: c.-568G>T (NM_001321732.2); c.-360G>T (NM_001321830.2); short protein forms D30Y.
Identifiers: ClinVar variation 1337136 (VCV001337136.11), dbSNP rs559527781, ClinGen allele CA3585383.

ClinVar aggregate classification (germline): Uncertain significance. Review status: criteria provided, multiple submitters, no conflicts (2 of 4 stars). 5 submissions from 5 submitters: Uncertain significance (5). Last evaluated 2025-11-18.

Conditions:
DDX41-related hematologic malignancy predisposition syndrome. Also called: Myeloproliferative/lymphoproliferative neoplasms, familial (multiple types), susceptibility to; DDX41-Associated Familial Myelodysplastic Syndrome and Acute Myeloid Leukemia. Identifiers: Orphanet 488647, MedGen C4225174, MONDO:0014809, OMIM 616871.
Inborn genetic diseases. Identifiers: MedGen C0950123, MeSH D030342.

Allele frequency attached by ClinVar (database versions not stated): gnomAD exomes 0.00002; ExAC 0.00003; gnomAD 0.00006 and 0.00008; 1000 Genomes Project 30x 0.00016; 1000 Genomes Project 0.00020; TOPMed 0.00030.
gnomAD v4.1: 18 of 1,612,352 alleles (0.0011%); highest among the groups gnomAD compares: Admixed American, 0.023%; 2 homozygotes.

Submissions (5):

Labcorp Genetics (formerly Invitae), Labcorp
Classification: Uncertain significance. Last evaluated: 2025-11-18. Review status: criteria provided, single submitter. Criteria: Invitae Variant Classification Sherloc (09022015). Collection method: clinical testing. Allele origin: germline.
Comment: This sequence change replaces aspartic acid, which is acidic and polar, with tyrosine, which is neutral and polar, at codon 30 of the DDX41 protein (p.Asp30Tyr). This variant is present in population databases (rs559527781, gnomAD 0.01%). This missense change has been observed in individual(s) with acute myeloid leukemia (PMID: 37665752). ClinVar contains an entry for this variant (Variation ID: 1337136). An algorithm developed to predict the effect of missense changes on protein structure and function (PolyPhen-2) suggests that this variant is likely to be disruptive. In summary, the available evidence is currently insufficient to determine the role of this variant in disease. Therefore, it has been classified as a Variant of Uncertain Significance.

Ambry Genetics
Classification: Uncertain significance for Inborn genetic diseases. Last evaluated: 2024-12-07. Review status: criteria provided, single submitter. Criteria: Ambry Variant Classification Scheme 2023. Collection method: clinical testing. Allele origin: germline.
Comment: The p.D30Y variant (also known as c.88G>T), located in coding exon 2 of the DDX41 gene, results from a G to T substitution at nucleotide position 88. The aspartic acid at codon 30 is replaced by tyrosine, an amino acid with highly dissimilar properties. This amino acid position is highly conserved in available vertebrate species. In addition, the in silico prediction for this alteration is inconclusive. Based on the available evidence, the clinical significance of this variant remains unclear.

Baylor Genetics
Classification: Uncertain significance for DDX41-related hematologic malignancy predisposition syndrome. Last evaluated: 2024-02-22. Review status: criteria provided, single submitter. Criteria: ACMG Guidelines, 2015. Collection method: clinical testing. Allele origin: unknown.

GeneDx
Classification: Uncertain significance. Last evaluated: 2022-05-26. Review status: criteria provided, single submitter. Criteria: GeneDx Variant Classification Process June 2021. Collection method: clinical testing. Allele origin: germline. Affected: yes.
Comment: Not observed at significant frequency in large population cohorts (gnomAD); In silico analysis supports that this missense variant does not alter protein structure/function; Has not been previously published as pathogenic or benign to our knowledge

Genetic Services Laboratory, University of Chicago
Classification: Uncertain significance. Last evaluated: 2019-04-24. Review status: criteria provided, single submitter. Criteria: ACMG Guidelines, 2015. Collection method: clinical testing. Allele origin: germline. Affected: no.

Literature cited by the submitters: PubMed 37665752 (cited by Labcorp Genetics (formerly Invitae), Labcorp).